The following is an entry in ClinVar:

ClinVar aggregate classification (germline): Pathogenic (1 of 4 stars; one submission).

Conditions:
Muscular dystrophy-dystroglycanopathy (congenital with brain and eye anomalies), type A, 7. Also called: WALKER-WARBURG SYNDROME OR MUSCLE-EYE-BRAIN DISEASE, ISPD-RELATED; Congenital muscular dystrophy-dystroglycanopathy with brain and eye anomalies, type A7. Identifiers: Orphanet 899, MedGen C3553330, MONDO:0013835, OMIM 614643.
Autosomal recessive limb-girdle muscular dystrophy type 2U. Also called: Muscular dystrophy-dystroglycanopathy (limb-girdle), type c, 7; MUSCULAR DYSTROPHY, LIMB-GIRDLE, TYPE 2U. Identifiers: Orphanet 352479, MedGen C5190987, MONDO:0014474, OMIM 616052.

Submission:

Labcorp Genetics (formerly Invitae), Labcorp
Classification: Pathogenic for Muscular dystrophy-dystroglycanopathy (congenital with brain and eye anomalies), type A, 7; Autosomal recessive limb-girdle muscular dystrophy type 2U. Last evaluated: 2022-09-07. Review status: criteria provided, single submitter. Criteria: Invitae Variant Classification Sherloc (09022015). Collection method: clinical testing. Allele origin: germline.
Comment: For these reasons, this variant has been classified as Pathogenic. This variant has not been reported in the literature in individuals affected with ISPD-related conditions. This variant is a gross deletion of the genomic region encompassing exon(s) 1-3 of the ISPD gene, which includes the initiator codon. This deletion extends beyond the assayed region for this gene and therefore may encompass additional genes. It is expected to result in an absent or disrupted protein product. Loss-of-function variants in ISPD are known to be pathogenic (PMID: 23288328).

Literature cited by the submitters: PubMed 23288328.

NC_000007.13:g.(?_16415697)_(16460947_?)del

Gene: CRPPA (CDP-L-ribitol pyrophosphorylase A; minus strand). Cytogenetic location: 7p21.2.
Variant type: Deletion.
Identifiers: ClinVar variation 2423709 (VCV002423709.5).